The following is an entry in ClinVar:

ClinVar aggregate classification (germline): Uncertain significance (1 of 4 stars; one submission).

gnomAD v4.1: 2 of 1,595,854 alleles (0.00013%); highest among the groups gnomAD compares: African/African-American, 0.0013%; no homozygotes.

Submission:

Ambry Genetics
Classification: Uncertain significance. Last evaluated: 2025-09-26. Review status: criteria provided, single submitter. Criteria: Ambry Variant Classification Scheme 2023. Collection method: clinical testing. Allele origin: germline.
Comment: The p.G226D variant (also known as c.677G>A), located in coding exon 3 of the GFI1 gene, results from a G to A substitution at nucleotide position 677. The glycine at codon 226 is replaced by aspartic acid, an amino acid with similar properties. This amino acid position is conserved. In addition, this alteration is predicted to be tolerated by in silico analysis. Based on the available evidence, the clinical significance of this variant remains unclear.

NM_005263.5(GFI1):c.677G>A (p.Gly226Asp)

Gene: GFI1 (growth factor independent 1 transcriptional repressor; minus strand). Cytogenetic location: 1p22.1.
Variant type: single nucleotide variant.
Coding change: c.677G>A on transcript NM_005263.5 (MANE Select); coding-DNA position 677, G replaced by A.
Protein change: p.Gly226Asp; replaces glycine 226 with aspartic acid.
Molecular consequence: missense variant.
Genome position (GRCh38, 1-based): chr1:92,480,710, C>T on the plus strand (G>A on the coding strand, the complement: GFI1 is on the minus strand). VCF-style: chr1-92480710-C-T. GRCh37 (hg19) VCF-style: chr1-92946267-C-T.
Other names: c.677G>A, p.Gly226Asp (NM_001127215.3, NM_001127216.3); short protein forms G226D.
Identifiers: ClinVar variation 4671559 (VCV004671559.1).